The following is an entry in ClinVar:

ClinVar aggregate classification (germline): Conflicting classifications of pathogenicity. Review status: criteria provided, conflicting classifications (1 of 4 stars). 3 submissions from 3 submitters: Uncertain significance (2); Likely benign (1). Last evaluated 2026-01-22.

Conditions:
Nephrolithiasis/nephrocalcinosis. Identifiers: MedGen CN580796.
Primary hyperoxaluria, type II (HP2). Also called: OXALOSIS II; Primary hyperoxaluria type 2; D-GLYCERATE DEHYDROGENASE DEFICIENCY; GLYCERIC ACIDURIA; GLYOXYLATE REDUCTASE/HYDROXYPYRUVATE REDUCTASE DEFICIENCY. Identifiers: Orphanet 416, Orphanet 93599, MedGen C0268165, MONDO:0009824, OMIM 260000. Disease mechanism: loss of function.

Allele frequency attached by ClinVar (database versions not stated): TOPMed 0.00011; gnomAD exomes 0.00015; gnomAD 0.00016; ExAC 0.00020; ESP Exome Variant Server 0.00038.
gnomAD v4.1: 365 of 1,613,934 alleles (0.023%); highest among the groups gnomAD compares: Non-Finnish European, 0.027%; no homozygotes.

Submissions (3):

Labcorp Genetics (formerly Invitae), Labcorp
Classification: Likely benign. Last evaluated: 2026-01-22. Review status: criteria provided, single submitter. Criteria: Invitae Variant Classification Sherloc (09022015). Collection method: clinical testing. Allele origin: germline.

Ambry Genetics
Classification: Uncertain significance for Nephrolithiasis/nephrocalcinosis. Last evaluated: 2025-05-10. Review status: criteria provided, single submitter. Criteria: Ambry Variant Classification Scheme 2023. Collection method: clinical testing. Allele origin: germline.
Comment: The p.A115T variant (also known as c.343G>A), located in coding exon 4 of the GRHPR gene, results from a G to A substitution at nucleotide position 343. The alanine at codon 115 is replaced by threonine, an amino acid with similar properties. This amino acid position is conserved. In addition, this alteration is predicted to be tolerated by in silico analysis. Since supporting evidence is limited at this time, the clinical significance of this alteration remains unclear.

Fulgent Genetics
Classification: Uncertain significance for Primary hyperoxaluria, type II. Last evaluated: 2024-02-13. Review status: criteria provided, single submitter. Criteria: ACMG Guidelines, 2015. Collection method: clinical testing. Allele origin: germline.

NM_012203.2(GRHPR):c.343G>A (p.Ala115Thr)

Gene: GRHPR (glyoxylate and hydroxypyruvate reductase; plus strand). Cytogenetic location: 9p13.2.
Variant type: single nucleotide variant.
Coding change: c.343G>A on transcript NM_012203.2 (MANE Select); coding-DNA position 343, G replaced by A.
Protein change: p.Ala115Thr; replaces alanine 115 with threonine.
Molecular consequence: missense variant.
Genome position (GRCh38, 1-based): chr9:37,426,593, G>A. VCF-style: chr9-37426593-G-A. GRCh37 (hg19) VCF-style: chr9-37426590-G-A.
Other names: short protein forms A115T.
Identifiers: ClinVar variation 1096976 (VCV001096976.12), dbSNP rs113602485, ClinGen allele CA5059008.